The following is an entry in ClinVar:

ClinVar aggregate classification (germline): Uncertain significance. Review status: criteria provided, multiple submitters, no conflicts (2 of 4 stars). 2 submissions from 2 submitters: Uncertain significance (2). Last evaluated 2025-01-24.

Conditions:
Inborn genetic diseases. Identifiers: MedGen C0950123, MeSH D030342.
Spastic paraplegia. Identifiers: MedGen C0037772, HP:0001258.

Allele frequency attached by ClinVar (database versions not stated): gnomAD 0.00001; gnomAD exomes 0.00001 and 0.00002; TOPMed 0.00001; ExAC 0.00002.
gnomAD v4.1: 11 of 1,614,046 alleles (0.00068%); highest among the groups gnomAD compares: Admixed American, 0.013%; no homozygotes.

Submissions (2):

Ambry Genetics
Classification: Uncertain significance for Inborn genetic diseases. Last evaluated: 2025-01-24. Review status: criteria provided, single submitter. Criteria: Ambry Variant Classification Scheme 2023. Collection method: clinical testing. Allele origin: germline.

Labcorp Genetics (formerly Invitae), Labcorp
Classification: Uncertain significance for Spastic paraplegia. Last evaluated: 2021-09-30. Review status: criteria provided, single submitter. Criteria: Invitae Variant Classification Sherloc (09022015). Collection method: clinical testing. Allele origin: germline.
Comment: This sequence change replaces cysteine with tyrosine at codon 2407 of the ZFYVE26 protein (p.Cys2407Tyr). The cysteine residue is moderately conserved and there is a large physicochemical difference between cysteine and tyrosine. This variant is present in population databases (rs760422569, ExAC 0.02%). This variant has not been reported in the literature in individuals with ZFYVE26-related conditions. Algorithms developed to predict the effect of missense changes on protein structure and function are either unavailable or do not agree on the potential impact of this missense change (SIFT: "Tolerated"; PolyPhen-2: "Possibly Damaging"; Align-GVGD: "Class C0"). In summary, the available evidence is currently insufficient to determine the role of this variant in disease. Therefore, it has been classified as a Variant of Uncertain Significance.

NM_015346.4(ZFYVE26):c.7220G>A (p.Cys2407Tyr)

Gene: ZFYVE26 (zinc finger FYVE-type containing 26; minus strand). Cytogenetic location: 14q24.1.
Variant type: single nucleotide variant.
Coding change: c.7220G>A on transcript NM_015346.4 (MANE Select); coding-DNA position 7220, G replaced by A.
Protein change: p.Cys2407Tyr; replaces cysteine 2407 with tyrosine.
Molecular consequence: missense variant.
Genome position (GRCh38, 1-based): chr14:67,752,495, C>T on the plus strand (G>A on the coding strand, the complement: ZFYVE26 is on the minus strand). VCF-style: chr14-67752495-C-T. GRCh37 (hg19) VCF-style: chr14-68219212-C-T.
Other names: c.7220G>A (NM_015346.3); short protein forms C2407Y.
Identifiers: ClinVar variation 1408074 (VCV001408074.6), dbSNP rs760422569, ClinGen allele CA7239018.